The following is an entry in ClinVar:

ClinVar aggregate classification (germline): Uncertain significance (1 of 4 stars; one submission).

Conditions:
Juvenile onset Parkinson disease 19A. Also called: DNAJC6 Parkinson Disease; PARK19. Identifiers: Orphanet 391411, MedGen C3809811, MONDO:0014231, OMIM 615528.

Allele frequency attached by ClinVar (database versions not stated): gnomAD 0.00001; TOPMed 0.00002.
gnomAD v4.1: 5 of 1,613,988 alleles (0.00031%); highest among the groups gnomAD compares: Non-Finnish European, 0.00025%; no homozygotes.

Submission:

Labcorp Genetics (formerly Invitae), Labcorp
Classification: Uncertain significance for Juvenile onset Parkinson disease 19A. Last evaluated: 2023-07-17. Review status: criteria provided, single submitter. Criteria: Invitae Variant Classification Sherloc (09022015). Collection method: clinical testing. Allele origin: germline.
Comment: In summary, the available evidence is currently insufficient to determine the role of this variant in disease. Therefore, it has been classified as a Variant of Uncertain Significance. An algorithm developed to predict the effect of missense changes on protein structure and function (PolyPhen-2) suggests that this variant is likely to be disruptive. ClinVar contains an entry for this variant (Variation ID: 474678). This variant has not been reported in the literature in individuals affected with DNAJC6-related conditions. This variant is not present in population databases (gnomAD no frequency). This sequence change replaces tryptophan, which is neutral and slightly polar, with arginine, which is basic and polar, at codon 696 of the DNAJC6 protein (p.Trp696Arg).

NM_001256864.2(DNAJC6):c.2086T>C (p.Trp696Arg)

Gene: DNAJC6 (DnaJ heat shock protein family (Hsp40) member C6; plus strand). Cytogenetic location: 1p31.3.
Variant type: single nucleotide variant.
Coding change: c.2086T>C on transcript NM_001256864.2 (MANE Select); coding-DNA position 2086, T replaced by C.
Protein change: p.Trp696Arg; replaces tryptophan 696 with arginine.
Molecular consequence: missense variant.
Genome position (GRCh38, 1-based): chr1:65,398,860, T>C. VCF-style: chr1-65398860-T-C. GRCh37 (hg19) VCF-style: chr1-65864543-T-C.
Other names: c.1876T>C, p.Trp626Arg (NM_001256865.2); c.1915T>C, p.Trp639Arg (NM_014787.4); short protein forms W626R, W696R, W639R.
Identifiers: ClinVar variation 474678 (VCV000474678.10), dbSNP rs1462099424, ClinGen allele CA340691622.